The following continues an entry in ClinVar:

NM_000492.4(CFTR):c.4123C>A (p.His1375Asn)

Gene: CFTR. ClinVar aggregate classification (germline): Uncertain significance. Uncertain significance (12).

Submissions 8 to 14 of 14:

Mayo Clinic Laboratories, Mayo Clinic
Classification: Uncertain significance. Last evaluated: 2024-03-15. Review status: criteria provided, single submitter. Criteria: ACMG Guidelines, 2015. Collection method: clinical testing. Allele origin: germline. Observed: 1 variant allele.
Comment: PM2

Genome-Nilou Lab
Classification: Uncertain significance for Cystic fibrosis. Last evaluated: 2021-09-05. Review status: criteria provided, single submitter. Criteria: ACMG Guidelines, 2015. Collection method: clinical testing. Allele origin: germline. Affected: no.

Fulgent Genetics
Classification: Uncertain significance for Hereditary pancreatitis; Bronchiectasis with or without elevated sweat chloride 1; Cystic fibrosis; Congenital bilateral aplasia of vas deferens from CFTR mutation. Last evaluated: 2021-07-29. Review status: criteria provided, single submitter. Criteria: ACMG Guidelines, 2015. Collection method: clinical testing. Allele origin: unknown.

Sema4
Classification: Uncertain significance for Hereditary pancreatitis. Last evaluated: 2021-06-09. Review status: criteria provided, single submitter. Criteria: Sema4 Curation Guidelines. Collection method: curation. Allele origin: germline.
Comment: The CFTR c.4123C>A (p.H1375N) variant has been reported as compoud heterozygous with CFTR p.F508del in at least two indiviudals, one with chronic pancreatitis (PMID: 19202204), and the other with CFTR-related metabolic syndrome (PMID: 28544683). It was also reported as heterozygous in an individual diagnosed with cystic fibrosis (PMID: 28544683). It was observed in 20/128962 chromosomes of the Non-Finnish European subpopulation, with no homozygotes, in the large and broad cohorts of the Genome Aggregation Database (PMID: 32461654). The variant has been reported in ClinVar (Variation ID 53894). In silico tools suggest the impact of the variant on protein function is inconclusive, though these predictions have not been confirmed by functional studies. The evidence is insufficient to meet ACMG/AMP criteria for classifying the variant as benign or pathogenic. Thus, the clinical significance of this variant is currently uncertain.

Eurofins Ntd Llc (ga)
Classification: Uncertain significance. Last evaluated: 2017-12-28. Review status: criteria provided, single submitter. Criteria: EGL Classification Definitions 2015. Collection method: clinical testing. Allele origin: germline. Observed: 1 variant allele, 1 heterozygote.

Natera, Inc.
Classification: Uncertain significance for CFTR-related disorders. Last evaluated: 2018-05-24. Review status: no assertion criteria provided. Collection method: clinical testing. Allele origin: germline. Not counted in ClinVar's aggregate classification.

Counsyl
Classification: Uncertain significance for Cystic fibrosis. Last evaluated: 2017-11-08. Review status: no assertion criteria provided. Collection method: clinical testing. Allele origin: unknown. Not counted in ClinVar's aggregate classification.

Literature cited by the submitters: PubMed 19202204 (cited by 6 submitters); PubMed 23810505 (cited by 3 submitters); PubMed 28544683 (cited by 3 submitters); PubMed 34996830 (cited by Women's Health and Genetics/Laboratory Corporation of America, LabCorp); PubMed 31740593 (cited by 3 submitters); PubMed 36409994 (cited by Women's Health and Genetics/Laboratory Corporation of America, LabCorp); PubMed 38388235 (cited by Women's Health and Genetics/Laboratory Corporation of America, LabCorp and Mayo Clinic Laboratories, Mayo Clinic); PubMed 25910067 (cited by Labcorp Genetics (formerly Invitae), Labcorp).